The following is an entry in ClinVar:

ClinVar aggregate classification (germline): Uncertain significance (1 of 4 stars; one submission).

Conditions:
Inborn genetic diseases. Identifiers: MedGen C0950123, MeSH D030342.

Submission:

Ambry Genetics
Classification: Uncertain significance for Inborn genetic diseases. Last evaluated: 2025-04-06. Review status: criteria provided, single submitter. Criteria: Ambry Variant Classification Scheme 2023. Collection method: clinical testing. Allele origin: germline.
Comment: The p.W141C variant (also known as c.423G>C), located in coding exon 4 of the G6PC3 gene, results from a G to C substitution at nucleotide position 423. The tryptophan at codon 141 is replaced by cysteine, an amino acid with highly dissimilar properties. This amino acid position is conserved. In addition, the in silico prediction for this alteration is inconclusive. Based on the available evidence, the clinical significance of this variant remains unclear.

NM_138387.4(G6PC3):c.423G>C (p.Trp141Cys)

Gene: G6PC3 (glucose-6-phosphatase catalytic subunit 3; plus strand). Cytogenetic location: 17q21.31.
Variant type: single nucleotide variant.
Coding change: c.423G>C on transcript NM_138387.4 (MANE Select); coding-DNA position 423, G replaced by C.
Protein change: p.Trp141Cys; replaces tryptophan 141 with cysteine.
Molecular consequence: missense variant. On other transcripts: intron variant (1).
Genome position (GRCh38, 1-based): chr17:44,074,975, G>C. VCF-style: chr17-44074975-G-C. GRCh37 (hg19) VCF-style: chr17-42152343-G-C.
Other names: c.78G>C, p.Trp26Cys (NM_001384165.1, NM_001384166.1, NM_001384167.1 and 1 more transcripts); c.416+205G>C (NM_001319945.2); short protein forms W141C, W26C.
Identifiers: ClinVar variation 4027577 (VCV004027577.1).